The following is an entry in ClinVar:

ClinVar aggregate classification (germline): Likely pathogenic (1 of 4 stars; one submission).

Conditions:
Peroxisome biogenesis disorder 7A (Zellweger). Also called: Peroxisome biogenesis disorder 7A. Identifiers: Orphanet 912, MedGen C3888385, MONDO:0013938, OMIM 614872.
Peroxisome biogenesis disorder 7B (PBD7B). Identifiers: Orphanet 44, MedGen C3553951, MONDO:0013939, OMIM 614873.

Submission:

Labcorp Genetics (formerly Invitae), Labcorp
Classification: Likely pathogenic for Peroxisome biogenesis disorder 7A (Zellweger); Peroxisome biogenesis disorder 7B. Last evaluated: 2023-11-24. Review status: criteria provided, single submitter. Criteria: Invitae Variant Classification Sherloc (09022015). Collection method: clinical testing. Allele origin: germline.
Comment: This sequence change affects an acceptor splice site in intron 3 of the PEX26 gene. It is expected to disrupt RNA splicing. Variants that disrupt the donor or acceptor splice site typically lead to a loss of protein function (PMID: 16199547), and loss-of-function variants in PEX26 are known to be pathogenic (PMID: 12851857, 21031596). This variant is not present in population databases (gnomAD no frequency). This variant has not been reported in the literature in individuals affected with PEX26-related conditions. Algorithms developed to predict the effect of sequence changes on RNA splicing suggest that this variant may disrupt the consensus splice site. In summary, the currently available evidence indicates that the variant is pathogenic, but additional data are needed to prove that conclusively. Therefore, this variant has been classified as Likely Pathogenic.

Literature cited by the submitters: PubMed 16199547; PubMed 12851857; PubMed 21031596.

NM_001127649.3(PEX26):c.372-2A>G

Gene: PEX26 (peroxisomal biogenesis factor 26; plus strand). Cytogenetic location: 22q11.21.
Variant type: single nucleotide variant.
Coding change: c.372-2A>G on transcript NM_001127649.3 (MANE Select); the canonical splice acceptor site of the intron before coding-DNA position 372, A replaced by G.
Molecular consequence: splice acceptor variant.
Genome position (GRCh38, 1-based): chr22:18,083,435, A>G. VCF-style: chr22-18083435-A-G. GRCh37 (hg19) VCF-style: chr22-18566201-A-G.
Other names: c.372-2A>G (NM_017929.6, NM_001199319.2).
Identifiers: ClinVar variation 2949689 (VCV002949689.3), dbSNP rs2517670720, ClinGen allele CA410267005.
Genomic context (GRCh38, chr22:18,083,435, plus strand): 5'-ATGAACCAATCATTGAGCACTGACTCTTCTTTTGTTGGGATTGGGTTTTTTGGGGACTGC[A>G]GCATTCTTTTATACAGCAAAATGCAAGAGCCTGGAGCTGTGCTGGATGTGGTGGGTGCCT-3'